The following is an entry in ClinVar:

NM_152703.5(SAMD9L):c.3567T>C (p.Tyr1189=)

Gene: SAMD9L (sterile alpha motif domain containing 9 like; minus strand). Cytogenetic location: 7q21.2.
Variant type: single nucleotide variant.
Coding change: c.3567T>C on transcript NM_152703.5 (MANE Select); coding-DNA position 3567, T replaced by C.
Protein change: p.Tyr1189=; no amino-acid change (tyrosine 1189 retained).
Molecular consequence: synonymous variant.
Genome position (GRCh38, 1-based): chr7:93,132,405, A>G on the plus strand (T>C on the coding strand, the complement: SAMD9L is on the minus strand). VCF-style: chr7-93132405-A-G. GRCh37 (hg19) VCF-style: chr7-92761718-A-G.
Other names: c.3567T>C (NM_152703.3, NM_152703.2); c.3567T>C, p.Tyr1189= (NM_001303496.3, NM_001303497.3, NM_001303498.3 and 5 more transcripts).
Identifiers: ClinVar variation 738638 (VCV000738638.15), dbSNP rs139124790, ClinGen allele CA4343434.

ClinVar aggregate classification (germline): Benign/Likely benign. Review status: criteria provided, multiple submitters, no conflicts (2 of 4 stars). 5 submissions from 5 submitters: Benign (2); Likely benign (2). 1 of the submissions does not count toward it. Last evaluated 2025-12-27.

Conditions:
Inborn genetic diseases. Identifiers: MedGen C0950123, MeSH D030342.
SAMD9L-related disorder. Also called: SAMD9L-related condition; SAMD9L-related disorders.

Allele frequency attached by ClinVar (database versions not stated): ExAC 0.00017; gnomAD exomes 0.00018; ESP Exome Variant Server 0.00062; gnomAD 0.00084 and 0.00091; TOPMed 0.00091; 1000 Genomes Project 0.00100; 1000 Genomes Project 30x 0.00141.
gnomAD v4.1: 237 of 1,613,874 alleles (0.015%); highest among the groups gnomAD compares: African/African-American, 0.28%; no homozygotes.

Submissions (5):

Labcorp Genetics (formerly Invitae), Labcorp
Classification: Benign. Last evaluated: 2025-12-27. Review status: criteria provided, single submitter. Criteria: Invitae Variant Classification Sherloc (09022015). Collection method: clinical testing. Allele origin: germline.

Blueprint Genetics
Classification: Likely benign. Last evaluated: 2024-10-09. Review status: criteria provided, single submitter. Criteria: ACMG Guidelines, 2015. Collection method: clinical testing. Allele origin: germline.

Ambry Genetics
Classification: Likely benign for Inborn genetic diseases. Last evaluated: 2024-10-05. Review status: criteria provided, single submitter. Criteria: Ambry Variant Classification Scheme 2023. Collection method: clinical testing. Allele origin: germline.

Genetic Services Laboratory, University of Chicago
Classification: Benign. Last evaluated: 2020-03-23. Review status: criteria provided, single submitter. Criteria: ACMG Guidelines, 2015. Collection method: clinical testing. Allele origin: germline. Affected: no.

PreventionGenetics, part of Exact Sciences
Classification: Likely benign for SAMD9L-related condition. Last evaluated: 2021-08-02. Review status: no assertion criteria provided. Collection method: clinical testing. Allele origin: germline. Not counted in ClinVar's aggregate classification.
Comment: This variant is classified as likely benign based on ACMG/AMP sequence variant interpretation guidelines (Richards et al. 2015 PMID: 25741868, with internal and published modifications).